The following is an entry in ClinVar:

ClinVar aggregate classification (germline): Uncertain significance (1 of 4 stars; one submission).

Conditions:
Cardiovascular phenotype. Identifiers: MedGen CN230736.

gnomAD v4.1: 4 of 1,614,032 alleles (0.00025%); highest among the groups gnomAD compares: Admixed American, 0.0067%; no homozygotes.

Submission:

Ambry Genetics
Classification: Uncertain significance for Cardiovascular phenotype. Last evaluated: 2025-10-05. Review status: criteria provided, single submitter. Criteria: Ambry Variant Classification Scheme 2023. Collection method: clinical testing. Allele origin: germline.
Comment: The p.P2588S variant (also known as c.7762C>T), located in coding exon 26 of the APOB gene, results from a C to T substitution at nucleotide position 7762. The proline at codon 2588 is replaced by serine, an amino acid with similar properties. This amino acid position is conserved. In addition, this alteration is predicted to be tolerated by in silico analysis. Based on the available evidence, the clinical significance of this variant remains unclear.

NM_000384.3(APOB):c.7762C>T (p.Pro2588Ser)

Gene: APOB (apolipoprotein B; minus strand). Cytogenetic location: 2p24.1.
Variant type: single nucleotide variant.
Coding change: c.7762C>T on transcript NM_000384.3 (MANE Select); coding-DNA position 7762, C replaced by T.
Protein change: p.Pro2588Ser; replaces proline 2588 with serine.
Molecular consequence: missense variant.
Genome position (GRCh38, 1-based): chr2:21,009,106, G>A on the plus strand (C>T on the coding strand, the complement: APOB is on the minus strand). VCF-style: chr2-21009106-G-A. GRCh37 (hg19) VCF-style: chr2-21231978-G-A.
Other names: short protein forms P2588S.
Identifiers: ClinVar variation 4613628 (VCV004613628.1).